The following is an entry in ClinVar:

NM_006790.3(MYOT):c.684-3T>C

Genes: MYOT (myotilin; plus strand), PKD2L2-DT (PKD2L2 divergent transcript; minus strand). Cytogenetic location: 5q31.2.
Variant type: single nucleotide variant.
Coding change: c.684-3T>C on transcript NM_006790.3 (MANE Select); 3 bases into the intron before coding-DNA position 684, T replaced by C.
Molecular consequence: intron variant.
Genome position (GRCh38, 1-based): chr5:137,881,970, T>C. VCF-style: chr5-137881970-T-C. GRCh37 (hg19) VCF-style: chr5-137217659-T-C.
Other names: c.339-3T>C (NM_001300911.2); c.132-3T>C (NM_001135940.2).
Identifiers: ClinVar variation 1990655 (VCV001990655.4), dbSNP rs781105394, ClinGen allele CA3423022.
Genomic context (GRCh38, chr5:137,881,970, plus strand): 5'-TTTGTGCAAAATGAAAAGCAATGATAATATTTACGCATAGTTGTTACCAAAATATTCTTG[T>C]AGAAGTAGATCAACCTCAAGGGGAGATGTGAATGATCAGGATGCAATCCAGGAGAAATTT-3'

ClinVar aggregate classification (germline): Uncertain significance (1 of 4 stars; one submission).

Conditions:
Myofibrillar myopathy 3 (MFM3). Also called: Autosomal dominant spheroid body myopathy; Muscular dystrophy, proximal, type 1A. Identifiers: Orphanet 266, Orphanet 268129, MedGen C3714934, MONDO:0012215, OMIM 609200.

Allele frequency attached by ClinVar (database versions not stated): TOPMed below 0.00001; ExAC 0.00001.
gnomAD v4.1: 5 of 1,613,662 alleles (0.00031%); highest among the groups gnomAD compares: Admixed American, 0.005%; no homozygotes.

Submission:

Labcorp Genetics (formerly Invitae), Labcorp
Classification: Uncertain significance for Myofibrillar myopathy 3. Last evaluated: 2022-08-31. Review status: criteria provided, single submitter. Criteria: Invitae Variant Classification Sherloc (09022015). Collection method: clinical testing. Allele origin: germline.
Comment: This variant is present in population databases (rs781105394, gnomAD 0.009%). This sequence change falls in intron 5 of the MYOT gene. It does not directly change the encoded amino acid sequence of the MYOT protein. It affects a nucleotide within the consensus splice site. This variant has not been reported in the literature in individuals affected with MYOT-related conditions. In summary, the available evidence is currently insufficient to determine the role of this variant in disease. Therefore, it has been classified as a Variant of Uncertain Significance. Variants that disrupt the consensus splice site are a relatively common cause of aberrant splicing (PMID: 17576681, 9536098). Algorithms developed to predict the effect of sequence changes on RNA splicing suggest that this variant may create or strengthen a splice site.

Literature cited by the submitters: PubMed 17576681; PubMed 9536098.